The following is an entry in ClinVar:

NM_000038.6(APC):c.7922A>C (p.Lys2641Thr)

Gene: APC (APC regulator of Wnt signaling pathway; plus strand). Cytogenetic location: 5q22.2.
Variant type: single nucleotide variant.
Coding change: c.7922A>C on transcript NM_000038.6 (MANE Select); coding-DNA position 7922, A replaced by C.
Protein change: p.Lys2641Thr; replaces lysine 2641 with threonine.
Molecular consequence: missense variant.
Genome position (GRCh38, 1-based): chr5:112,843,516, A>C. VCF-style: chr5-112843516-A-C. GRCh37 (hg19) VCF-style: chr5-112179213-A-C.
Other names: c.7922A>C, p.Lys2641Thr (NM_001127510.3, NM_001354895.2); c.7868A>C, p.Lys2623Thr (NM_001127511.3); c.7976A>C, p.Lys2659Thr (NM_001354896.2); c.7952A>C, p.Lys2651Thr (NM_001354897.2); c.7847A>C, p.Lys2616Thr (NM_001354898.2); c.7838A>C, p.Lys2613Thr (NM_001354899.2); c.7799A>C, p.Lys2600Thr (NM_001354900.2); c.7745A>C, p.Lys2582Thr (NM_001354901.2); and 5 more; short protein forms K2623T, K2641T, K2481T, K2515T, K2540T, K2600T, K2651T, K2550T.
Identifiers: ClinVar variation 246385 (VCV000246385.16), dbSNP rs879254231, ClinGen allele CA10584266.

ClinVar aggregate classification (germline): Uncertain significance. Review status: criteria provided, multiple submitters, no conflicts (2 of 4 stars). 5 submissions from 5 submitters: Uncertain significance (5). Last evaluated 2025-09-05.

Conditions:
Desmoid disease, hereditary (DESMD). Also called: FIBROMATOSIS, FAMILIAL INFILTRATIVE. Identifiers: Orphanet 873, MedGen C1851124, OMIM 135290. Disease mechanism: loss of function.
Gastric cancer. Also called: Stomach cancer; Malignant tumor of stomach. Identifiers: MedGen C0024623, MeSH D013274, MONDO:0001056, OMIM 613659, HP:0012126.
Familial adenomatous polyposis 1 (FAP1). Also called: POLYPOSIS, ADENOMATOUS INTESTINAL; FAMILIAL ADENOMATOUS POLYPOSIS 1, ATTENUATED. Identifiers: MedGen C2713442, MONDO:0021056, OMIM 175100. Disease mechanism: loss of function.
Gastric adenocarcinoma and proximal polyposis of the stomach (GAPPS). Also called: Polyposis, gastric, Dos Santos and de Magalhaes 1980; POLYPOSIS, GASTRIC; Gastric Adenocarcinoma and Proximal Polyposis of the Stomach (GAPPS). Identifiers: Orphanet 314022, MedGen C4749917, MONDO:0017790, OMIM 619182.
Hepatocellular carcinoma (HCC). Also called: Primary carcinoma of liver; HEPATOMA; LIVER CELL CARCINOMA. Identifiers: Orphanet 88673, MedGen C2239176, MONDO:0007256, OMIM 114550, HP:0001402.
Colorectal cancer. Also called: Colorectal cancer, somatic; Malignant Colorectal Neoplasm. Identifiers: MedGen C0346629, MONDO:0005575, OMIM 114500.
Hereditary cancer-predisposing syndrome. Also called: Neoplastic Syndromes, Hereditary; Hereditary neoplastic syndrome; Hereditary Cancer Syndrome; Tumor predisposition. Identifiers: Orphanet 140162, MedGen C0027672, MeSH D009386, MONDO:0015356.

Allele frequency attached by ClinVar (database versions not stated): TOPMed below 0.00001.

Submissions (5):

Color Diagnostics, LLC DBA Color Health
Classification: Uncertain significance for Hereditary cancer-predisposing syndrome. Last evaluated: 2025-09-05. Review status: criteria provided, single submitter. Criteria: ACMG Guidelines, 2015. Collection method: clinical testing. Allele origin: germline.
Comment: This missense variant replaces lysine with threonine at codon 2641 of the APC protein. Computational prediction is inconclusive regarding the impact of this variant on protein structure and function. To our knowledge, functional studies have not been reported for this variant. This variant has not been reported in individuals affected with APC-related disorders in the literature. This variant has not been identified in the general population by the Genome Aggregation Database (gnomAD). The available evidence is insufficient to determine the role of this variant in disease conclusively. Therefore, this variant is classified as a Variant of Uncertain Significance.

Ambry Genetics
Classification: Uncertain significance for Hereditary cancer-predisposing syndrome. Last evaluated: 2025-06-22. Review status: criteria provided, single submitter. Criteria: Ambry Variant Classification Scheme 2023. Collection method: clinical testing. Allele origin: germline.
Comment: The p.K2641T variant (also known as c.7922A>C), located in coding exon 15 of the APC gene, results from an A to C substitution at nucleotide position 7922. The lysine at codon 2641 is replaced by threonine, an amino acid with similar properties. This amino acid position is highly conserved in available vertebrate species. In addition, in silico predictors for this gene do not accurately predict pathogenicity. Since supporting evidence is limited at this time, the clinical significance of this alteration remains unclear.

Labcorp Genetics (formerly Invitae), Labcorp
Classification: Uncertain significance for Familial adenomatous polyposis 1. Last evaluated: 2024-12-22. Review status: criteria provided, single submitter. Criteria: Invitae Variant Classification Sherloc (09022015). Collection method: clinical testing. Allele origin: germline.
Comment: This sequence change replaces lysine, which is basic and polar, with threonine, which is neutral and polar, at codon 2641 of the APC protein (p.Lys2641Thr). This variant is not present in population databases (gnomAD no frequency). This variant has not been reported in the literature in individuals affected with APC-related conditions. ClinVar contains an entry for this variant (Variation ID: 246385). Invitae Evidence Modeling of protein sequence and biophysical properties (such as structural, functional, and spatial information, amino acid conservation, physicochemical variation, residue mobility, and thermodynamic stability) indicates that this missense variant is not expected to disrupt APC protein function with a negative predictive value of 95%. In summary, the available evidence is currently insufficient to determine the role of this variant in disease. Therefore, it has been classified as a Variant of Uncertain Significance.

Fulgent Genetics
Classification: Uncertain significance for Colorectal cancer; Hepatocellular carcinoma; Desmoid disease, hereditary; Familial adenomatous polyposis 1; Gastric cancer; Gastric adenocarcinoma and proximal polyposis of the stomach. Last evaluated: 2024-06-19. Review status: criteria provided, single submitter. Criteria: ACMG Guidelines, 2015. Collection method: clinical testing. Allele origin: germline.

GeneDx
Classification: Uncertain significance. Last evaluated: 2017-12-12. Review status: criteria provided, single submitter. Criteria: GeneDx Variant Classification (06012015). Collection method: clinical testing. Allele origin: germline. Affected: yes.
Comment: This variant is denoted APC c.7922A>C at the cDNA level, p.Lys2641Thr (K2641T) at the protein level, and results in the change of a Lysine to a Threonine (AAG>ACG). This variant has not, to our knowledge, been published in the literature as pathogenic or benign. APC Lys2641Thr was not observed in large population cohorts (Lek 2016). Since Lysine and Threonine differ in some properties, this is considered a semi-conservative amino acid substitution. APC Lys2641Thr is located in the EB1 binding domain (Azzopardi 2008). In-silico analyses, including protein predictors and evolutionary conservation, support that this variant does not alter protein structure/function. Based on currently available evidence, it is unclear whether APC Lys2641Thr is a pathogenic or benign variant. We consider it to be a variant of uncertain significance.